The following is an entry in ClinVar:

NM_001035.3(RYR2):c.9936T>A (p.Pro3312=)

Gene: RYR2 (ryanodine receptor 2; plus strand). Cytogenetic location: 1q43.
Variant type: single nucleotide variant.
Coding change: c.9936T>A on transcript NM_001035.3 (MANE Select); coding-DNA position 9936, T replaced by A.
Protein change: p.Pro3312=; no amino-acid change (proline 3312 retained).
Molecular consequence: synonymous variant.
Genome position (GRCh38, 1-based): chr1:237,708,892, T>A. VCF-style: chr1-237708892-T-A. GRCh37 (hg19) VCF-style: chr1-237872192-T-A.
Identifiers: ClinVar variation 1111473 (VCV001111473.13), dbSNP rs967337973, ClinGen allele CA39793378.

ClinVar aggregate classification (germline): Likely benign. Review status: criteria provided, multiple submitters, no conflicts (2 of 4 stars). 3 submissions from 3 submitters: Likely benign (3). Last evaluated 2025-06-29.

Conditions:
Catecholaminergic polymorphic ventricular tachycardia 1. Also called: RYR2-Related Catecholaminergic Polymorphic Ventricular Tachycardia; VENTRICULAR TACHYCARDIA, CATECHOLAMINERGIC POLYMORPHIC, 1, WITH OR WITHOUT ATRIAL DYSFUNCTION AND/OR DILATED CARDIOMYOPATHY; VENTRICULAR TACHYCARDIA, STRESS-INDUCED POLYMORPHIC 1. Identifiers: Orphanet 3286, MedGen C1631597, MONDO:0011484, OMIM 604772.
Catecholaminergic polymorphic ventricular tachycardia (CVPT). Also called: Catecholamine-induced polymorphic ventricular tachycardia. Identifiers: Orphanet 3286, MedGen C5574922, MONDO:0017990.
Cardiovascular phenotype. Identifiers: MedGen CN230736.

Allele frequency attached by ClinVar (database versions not stated): gnomAD exomes 0.00001; TOPMed 0.00001.
gnomAD v4.1: 4 of 1,611,444 alleles (0.00025%); highest among the groups gnomAD compares: East Asian, 0.0089%; no homozygotes.

Submissions (3):

Labcorp Genetics (formerly Invitae), Labcorp
Classification: Likely benign for Catecholaminergic polymorphic ventricular tachycardia 1. Last evaluated: 2025-06-29. Review status: criteria provided, single submitter. Criteria: Invitae Variant Classification Sherloc (09022015). Collection method: clinical testing. Allele origin: germline.

All of Us Research Program, National Institutes of Health
Classification: Likely benign for Catecholaminergic polymorphic ventricular tachycardia. Last evaluated: 2023-04-03. Review status: criteria provided, single submitter. Criteria: ACMG Guidelines, 2015. Collection method: clinical testing. Allele origin: germline. Inheritance: Autosomal dominant inheritance. Observed: 1 variant allele, 1 heterozygote.
Comment: This study involves interpretation of variants in research participants for the purpose of population health screening. Participant phenotype was not available at the time of variant classification. Additional details can be found in publication PMID: 35346344, PMCID: PMC8962531

Ambry Genetics
Classification: Likely benign for Cardiovascular phenotype. Last evaluated: 2020-01-26. Review status: criteria provided, single submitter. Criteria: Ambry Variant Classification Scheme 2023. Collection method: clinical testing. Allele origin: germline.